The following is an entry in ClinVar:

NM_004385.5(VCAN):c.3439A>G (p.Thr1147Ala)

Gene: VCAN (versican; plus strand). Cytogenetic location: 5q14.3.
Variant type: single nucleotide variant.
Coding change: c.3439A>G on transcript NM_004385.5 (MANE Select); coding-DNA position 3439, A replaced by G.
Protein change: p.Thr1147Ala; replaces threonine 1147 with alanine.
Molecular consequence: missense variant. On other transcripts: intron variant (2).
Genome position (GRCh38, 1-based): chr5:83,521,745, A>G. VCF-style: chr5-83521745-A-G. GRCh37 (hg19) VCF-style: chr5-82817564-A-G.
Other names: c.3439A>G, p.Thr1147Ala (NM_001164098.2); c.1042+9349A>G (NM_001164097.2, NM_001126336.3); short protein forms T1147A.
Identifiers: ClinVar variation 2864591 (VCV002864591.3), dbSNP rs1746111326, ClinGen allele CA360306058.

ClinVar aggregate classification (germline): Uncertain significance (1 of 4 stars; one submission).

Allele frequency attached by ClinVar (database versions not stated): gnomAD exomes below 0.00001; TOPMed below 0.00001.
gnomAD v4.1: 3 of 1,614,216 alleles (0.00019%); highest among the groups gnomAD compares: Non-Finnish European, 0.00017%; no homozygotes.

Submission:

Labcorp Genetics (formerly Invitae), Labcorp
Classification: Uncertain significance. Last evaluated: 2023-10-03. Review status: criteria provided, single submitter. Criteria: Invitae Variant Classification Sherloc (09022015). Collection method: clinical testing. Allele origin: germline.
Comment: This sequence change replaces threonine, which is neutral and polar, with alanine, which is neutral and non-polar, at codon 1147 of the VCAN protein (p.Thr1147Ala). This variant is not present in population databases (gnomAD no frequency). This variant has not been reported in the literature in individuals affected with VCAN-related conditions. An algorithm developed to predict the effect of missense changes on protein structure and function (PolyPhen-2) suggests that this variant is likely to be tolerated. In summary, the available evidence is currently insufficient to determine the role of this variant in disease. Therefore, it has been classified as a Variant of Uncertain Significance.